The following is an entry in ClinVar:

ClinVar aggregate classification (germline): Uncertain significance (1 of 4 stars; one submission).

Conditions:
Multiple congenital anomalies-hypotonia-seizures syndrome 1 (MCAHS1). Also called: GLYCOSYLPHOSPHATIDYLINOSITOL BIOSYNTHESIS DEFECT 3; PIGN-CDG; Congenital disorder of glycosylation due to PIGN deficiency. Identifiers: Orphanet 280633, MedGen C3279775, MONDO:0013563, OMIM 614080.

Allele frequency attached by ClinVar (database versions not stated): gnomAD exomes below 0.00001.
gnomAD v4.1: 3 of 1,611,518 alleles (0.00019%); highest among the groups gnomAD compares: East Asian, 0.0022%; no homozygotes.

Submission:

Labcorp Genetics (formerly Invitae), Labcorp
Classification: Uncertain significance for Multiple congenital anomalies-hypotonia-seizures syndrome 1. Last evaluated: 2020-09-09. Review status: criteria provided, single submitter. Criteria: Invitae Variant Classification Sherloc (09022015). Collection method: clinical testing. Allele origin: germline.
Comment: This variant is not present in population databases (ExAC no frequency). This sequence change replaces leucine with proline at codon 427 of the PIGN protein (p.Leu427Pro). The leucine residue is moderately conserved and there is a moderate physicochemical difference between leucine and proline. This variant has not been reported in the literature in individuals with PIGN-related conditions. Algorithms developed to predict the effect of missense changes on protein structure and function are either unavailable or do not agree on the potential impact of this missense change (SIFT: "Tolerated"; PolyPhen-2: "Probably Damaging"; Align-GVGD: "Class C0"). In summary, the available evidence is currently insufficient to determine the role of this variant in disease. Therefore, it has been classified as a Variant of Uncertain Significance.

NM_176787.5(PIGN):c.1280T>C (p.Leu427Pro)

Gene: PIGN (phosphatidylinositol glycan anchor biosynthesis class N; minus strand). Cytogenetic location: 18q21.33.
Variant type: single nucleotide variant.
Coding change: c.1280T>C on transcript NM_176787.5 (MANE Select); coding-DNA position 1280, T replaced by C.
Protein change: p.Leu427Pro; replaces leucine 427 with proline.
Molecular consequence: missense variant.
Genome position (GRCh38, 1-based): chr18:62,113,288, A>G on the plus strand (T>C on the coding strand, the complement: PIGN is on the minus strand). VCF-style: chr18-62113288-A-G. GRCh37 (hg19) VCF-style: chr18-59780521-A-G.
Other names: c.1280T>C, p.Leu427Pro (NM_012327.6); short protein forms L427P.
Identifiers: ClinVar variation 838795 (VCV000838795.7), dbSNP rs748351289, ClinGen allele CA402605980.